The following is an entry in ClinVar:

NM_138694.4(PKHD1):c.10471A>C (p.Thr3491Pro)

Gene: PKHD1 (PKHD1 ciliary IPT domain containing fibrocystin/polyductin; minus strand). Cytogenetic location: 6p12.3.
Variant type: single nucleotide variant.
Coding change: c.10471A>C on transcript NM_138694.4 (MANE Select); coding-DNA position 10471, A replaced by C.
Protein change: p.Thr3491Pro; replaces threonine 3491 with proline.
Molecular consequence: missense variant.
Genome position (GRCh38, 1-based): chr6:51,659,655, T>G on the plus strand (A>C on the coding strand, the complement: PKHD1 is on the minus strand). VCF-style: chr6-51659655-T-G. GRCh37 (hg19) VCF-style: chr6-51524453-T-G.
Other names: short protein forms T3491P.
Identifiers: ClinVar variation 947227 (VCV000947227.8), dbSNP rs533977466, ClinGen allele CA3851070.

ClinVar aggregate classification (germline): Uncertain significance. Review status: criteria provided, single submitter (1 of 4 stars). 2 submissions from 2 submitters: Uncertain significance (1). 1 of the submissions does not count toward it. Last evaluated 2021-08-20.

Conditions:
Autosomal recessive polycystic kidney disease (ARPKD). Also called: AR polycystic kidney disease. Identifiers: Orphanet 731, Orphanet 8378, MedGen C0085548, MeSH D017044, MONDO:0009889.

Allele frequency attached by ClinVar (database versions not stated): gnomAD below 0.00001 and 0.00001; gnomAD exomes 0.00003; ExAC 0.00004; 1000 Genomes Project 30x 0.00016; 1000 Genomes Project 0.00020.
gnomAD v4.1: 39 of 1,613,782 alleles (0.0024%); highest among the groups gnomAD compares: South Asian, 0.042%; no homozygotes.

Submissions (2):

Labcorp Genetics (formerly Invitae), Labcorp
Classification: Uncertain significance for Autosomal recessive polycystic kidney disease. Last evaluated: 2021-08-20. Review status: criteria provided, single submitter. Criteria: Invitae Variant Classification Sherloc (09022015). Collection method: clinical testing. Allele origin: germline.
Comment: This sequence change replaces threonine with proline at codon 3491 of the PKHD1 protein (p.Thr3491Pro). The threonine residue is moderately conserved and there is a small physicochemical difference between threonine and proline. This variant is present in population databases (rs533977466, ExAC 0.03%). This variant has not been reported in the literature in individuals affected with PKHD1-related conditions. Algorithms developed to predict the effect of missense changes on protein structure and function are either unavailable or do not agree on the potential impact of this missense change (SIFT: "Deleterious"; PolyPhen-2: "Possibly Damaging"; Align-GVGD: "Class C0"). In summary, the available evidence is currently insufficient to determine the role of this variant in disease. Therefore, it has been classified as a Variant of Uncertain Significance.

Natera, Inc.
Classification: Uncertain significance for Autosomal recessive polycystic kidney disease. Last evaluated: 2019-06-17. Review status: no assertion criteria provided. Collection method: clinical testing. Allele origin: germline. Not counted in ClinVar's aggregate classification.